The following is an entry in ClinVar:

ClinVar aggregate classification (germline): Likely benign. Review status: criteria provided, multiple submitters, no conflicts (2 of 4 stars). 3 submissions from 3 submitters: Likely benign (3). Last evaluated 2025-10-24.

Conditions:
SHORT syndrome. Also called: LIPODYSTROPHY, PARTIAL, WITH RIEGER ANOMALY AND SHORT STATURE; PIK3R1-Related SHORT Syndrome; SHORT STATURE, HYPEREXTENSIBILITY, HERNIA, OCULAR DEPRESSION, RIEGER ANOMALY, AND TEETHING DELAY. Identifiers: Orphanet 3163, MedGen C0878684, MONDO:0010026, OMIM 269880.
Agammaglobulinemia 7, autosomal recessive (AGM7). Also called: AGAMMAGLOBULINEMIA, AUTOSOMAL RECESSIVE, DUE TO PIK3R1 DEFECT. Identifiers: MedGen C3554689, MONDO:0014083, OMIM 615214.
Immunodeficiency 36 with lymphoproliferation. Also called: ACTIVATED PI3K-DELTA SYNDROME 2; Activated PI3K Delta Syndrome Type 2 (APDS2); Immunodeficiency 36. Identifiers: Orphanet 397596, Orphanet 693681, MedGen C4014934, MONDO:0014453, OMIM 616005.

Allele frequency attached by ClinVar (database versions not stated): gnomAD exomes 0.00002 and 0.00003; ExAC 0.00003; gnomAD 0.00008 and 0.00009; TOPMed 0.00010.
gnomAD v4.1: 48 of 1,613,936 alleles (0.003%); highest among the groups gnomAD compares: Middle Eastern, 0.049%; 1 homozygote.

Submissions (3):

Mayo Clinic Laboratories, Mayo Clinic
Classification: Likely benign. Last evaluated: 2025-10-24. Review status: criteria provided, single submitter. Criteria: ACMG Guidelines, 2015. Collection method: clinical testing. Allele origin: germline. Observed: 1 variant allele.
Comment: BP4, BP7

Labcorp Genetics (formerly Invitae), Labcorp
Classification: Likely benign for SHORT syndrome; Immunodeficiency 36 with lymphoproliferation; Agammaglobulinemia 7, autosomal recessive. Last evaluated: 2025-03-03. Review status: criteria provided, single submitter. Criteria: Invitae Variant Classification Sherloc (09022015). Collection method: clinical testing. Allele origin: germline.

Blueprint Genetics
Classification: Likely benign. Last evaluated: 2024-06-26. Review status: criteria provided, single submitter. Criteria: ACMG Guidelines, 2015. Collection method: clinical testing. Allele origin: germline.

NM_181523.3(PIK3R1):c.249G>A (p.Ser83=)

Gene: PIK3R1 (phosphoinositide-3-kinase regulatory subunit 1; plus strand). Cytogenetic location: 5q13.1.
Variant type: single nucleotide variant.
Coding change: c.249G>A on transcript NM_181523.3 (MANE Select); coding-DNA position 249, G replaced by A.
Protein change: p.Ser83=; no amino-acid change (serine 83 retained).
Molecular consequence: synonymous variant.
Genome position (GRCh38, 1-based): chr5:68,226,924, G>A. VCF-style: chr5-68226924-G-A. GRCh37 (hg19) VCF-style: chr5-67522752-G-A.
Other names: p.Ser83=.
Identifiers: ClinVar variation 764425 (VCV000764425.13), dbSNP rs771574512, ClinGen allele CA3289955.